The following is an entry in ClinVar:

NM_015404.4(WHRN):c.2112G>T (p.Leu704=)

Gene: WHRN (whirlin; minus strand). Cytogenetic location: 9q32.
Variant type: single nucleotide variant.
Coding change: c.2112G>T on transcript NM_015404.4 (MANE Select); coding-DNA position 2112, G replaced by T.
Protein change: p.Leu704=; no amino-acid change (leucine 704 retained).
Molecular consequence: synonymous variant.
Genome position (GRCh38, 1-based): chr9:114,406,479, C>A on the plus strand (G>T on the coding strand, the complement: WHRN is on the minus strand). VCF-style: chr9-114406479-C-A. GRCh37 (hg19) VCF-style: chr9-117168759-C-A.
Other names: c.963G>T, p.Leu321= (NM_001083885.3); c.2112G>T, p.Leu704= (NM_001173425.2); c.1059G>T, p.Leu353= (NM_001346890.1).
Identifiers: ClinVar variation 199138 (VCV000199138.21), dbSNP rs535492772, ClinGen allele CA248171.

ClinVar aggregate classification (germline): Conflicting classifications of pathogenicity. Review status: criteria provided, conflicting classifications (1 of 4 stars). 5 submissions from 5 submitters: Uncertain significance (1); Likely benign (4). Last evaluated 2025-09-04.

Allele frequency attached by ClinVar (database versions not stated): 1000 Genomes Project 0.00020; ExAC 0.00008; gnomAD 0.00010 and 0.00011; gnomAD exomes 0.00014; 1000 Genomes Project 30x 0.00016; TOPMed 0.00018.
gnomAD v4.1: 97 of 1,614,096 alleles (0.006%); highest among the groups gnomAD compares: Admixed American, 0.093%; no homozygotes.

Submissions (5):

Labcorp Genetics (formerly Invitae), Labcorp
Classification: Likely benign. Last evaluated: 2025-09-04. Review status: criteria provided, single submitter. Criteria: Invitae Variant Classification Sherloc (09022015). Collection method: clinical testing. Allele origin: germline.

Blueprint Genetics
Classification: Likely benign. Last evaluated: 2024-07-19. Review status: criteria provided, single submitter. Criteria: ACMG Guidelines, 2015. Collection method: clinical testing. Allele origin: germline.

GeneDx
Classification: Likely benign. Last evaluated: 2018-06-21. Review status: criteria provided, single submitter. Criteria: GeneDx Variant Classification Process June 2021. Collection method: clinical testing. Allele origin: germline. Affected: yes.
Comment: This variant is associated with the following publications: (PMID: 23441107)

Laboratory for Molecular Medicine, Mass General Brigham Personalized Medicine
Classification: Likely benign. Last evaluated: 2015-01-29. Review status: criteria provided, single submitter. Criteria: LMM Criteria. Collection method: clinical testing. Allele origin: germline. Observed: 1 variant allele.
Comment: p.Leu704Leu in exon 9 of DFNB31: This variant is not expected to have clinical significance because it does not alter an amino acid residue and is not located within the splice consensus sequence. This variant has been identified in 6/1156 2 of Latino chromosomes by the Exome Aggregation Consortium (ExAC, }.

Eurofins Ntd Llc (ga)
Classification: Uncertain significance. Last evaluated: 2014-12-12. Review status: criteria provided, single submitter. Criteria: EGL Classification Definitions 2015. Collection method: clinical testing. Allele origin: germline. Observed: 1 variant allele, 1 heterozygote.

Literature cited by the submitters: PubMed 23441107 (cited by Eurofins Ntd Llc (ga)).